The following is an entry in ClinVar:

ClinVar aggregate classification (germline): Likely benign. Review status: criteria provided, single submitter (1 of 4 stars). 2 submissions from 2 submitters: Likely benign (1). 1 of the submissions does not count toward it. Last evaluated 2020-06-30.

Conditions:
Hereditary spastic paraplegia 50 (SPG50). Also called: Spastic paraplegia 50, autosomal recessive. Identifiers: Orphanet 280763, MedGen C2752008, MONDO:0013048, OMIM 612936.
AP4M1-related disorder. Also called: AP4M1-related condition.

Allele frequency attached by ClinVar (database versions not stated): gnomAD 0.00003.
gnomAD v4.1: 45 of 1,605,892 alleles (0.0028%); highest among the groups gnomAD compares: Non-Finnish European, 0.0037%; no homozygotes.

Submissions (2):

Labcorp Genetics (formerly Invitae), Labcorp
Classification: Likely benign for Hereditary spastic paraplegia 50. Last evaluated: 2020-06-30. Review status: criteria provided, single submitter. Criteria: Invitae Variant Classification Sherloc (09022015). Collection method: clinical testing. Allele origin: germline.

PreventionGenetics, part of Exact Sciences
Classification: Likely benign for AP4M1-related condition. Last evaluated: 2019-11-11. Review status: no assertion criteria provided. Collection method: clinical testing. Allele origin: germline. Not counted in ClinVar's aggregate classification.
Comment: This variant is classified as likely benign based on ACMG/AMP sequence variant interpretation guidelines (Richards et al. 2015 PMID: 25741868, with internal and published modifications).

NM_004722.4(AP4M1):c.351+9C>G

Gene: AP4M1 (adaptor related protein complex 4 subunit mu 1; plus strand). Cytogenetic location: 7q22.1.
Variant type: single nucleotide variant.
Coding change: c.351+9C>G on transcript NM_004722.4 (MANE Select); 9 bases into the intron after coding-DNA position 351, C replaced by G.
Molecular consequence: intron variant.
Genome position (GRCh38, 1-based): chr7:100,102,969, C>G. VCF-style: chr7-100102969-C-G. GRCh37 (hg19) VCF-style: chr7-99700592-C-G.
Other names: c.372+9C>G (NM_001363671.2); c.351+9C>G (NM_004722.3).
Identifiers: ClinVar variation 1083434 (VCV001083434.12), dbSNP rs745857202, ClinGen allele CA163214087.